The following is an entry in ClinVar:

ClinVar aggregate classification (germline): Benign/Likely benign. Review status: criteria provided, multiple submitters, no conflicts (2 of 4 stars). 6 submissions from 6 submitters: Benign (4); Likely benign (1). 1 of the submissions does not count toward it. Last evaluated 2024-11-19.

Conditions:
Noonan syndrome and Noonan-related syndrome. Identifiers: Orphanet 98733, MedGen C5681679, MONDO:0020297.
LZTR1-related disorder. Also called: LZTR1-related disorders; LZTR1-related condition.

Allele frequency attached by ClinVar (database versions not stated): gnomAD 0.00061 and 0.00099; ESP Exome Variant Server 0.00017; TOPMed 0.00099; gnomAD exomes 0.00134 and 0.00188; ExAC 0.00325; 1000 Genomes Project 0.00339; 1000 Genomes Project 30x 0.00375.
gnomAD v4.1: 1,994 of 1,548,182 alleles (0.13%); highest among the groups gnomAD compares: East Asian, 3.9%; 34 homozygotes.

Submissions (6):

Blueprint Genetics
Classification: Likely benign. Last evaluated: 2024-11-19. Review status: criteria provided, single submitter. Criteria: ACMG Guidelines, 2015. Collection method: clinical testing. Allele origin: germline.

Mayo Clinic Laboratories, Mayo Clinic
Classification: Benign. Last evaluated: 2024-05-16. Review status: criteria provided, single submitter. Criteria: ACMG Guidelines, 2015. Collection method: clinical testing. Allele origin: germline. Observed: 4 variant alleles.
Comment: BS1, BS2

Genome Diagnostics Laboratory, The Hospital for Sick Children
Classification: Benign for Noonan syndrome and Noonan-related syndrome. Last evaluated: 2021-02-04. Review status: criteria provided, single submitter. Criteria: ACMG Guidelines, 2015. Collection method: clinical testing. Allele origin: germline.

Women's Health and Genetics/Laboratory Corporation of America, LabCorp
Classification: Benign. Last evaluated: 2019-11-18. Review status: criteria provided, single submitter. Criteria: LabCorp Variant Classification Summary - May 2015. Collection method: clinical testing. Allele origin: germline.
Comment: Variant summary: LZTR1 c.-6C>T is located in the untranslated mRNA region upstream of the initiation codon. The variant allele was found at a frequency of 0.0019 in 148602 control chromosomes in the gnomAD database, including 3 homozygotes. The observed variant frequency is approximately 377 fold of the estimated maximal expected allele frequency for a pathogenic variant in LZTR1 causing Noonan Syndrome and Related Conditions phenotype (5e-06), strongly suggesting that the variant is benign. To our knowledge, no occurrence of c.-6C>T in individuals affected with Noonan Syndrome and Related Conditions and no experimental evidence demonstrating its impact on protein function have been reported. Co-occurrence with another pathogenic variant has been reported (PTPN11 c.922A>G, p.Asn308Asp) at our laboratory, providing supporting evidence for a benign role. No clinical diagnostic laboratories have submitted clinical-significance assessments for this variant to ClinVar after 2014. Based on the evidence outlined above, the variant was classified as benign.

GeneDx
Classification: Benign. Last evaluated: 2018-07-30. Review status: criteria provided, single submitter. Criteria: GeneDx Variant Classification Process June 2021. Collection method: clinical testing. Allele origin: germline. Affected: yes.

PreventionGenetics, part of Exact Sciences
Classification: Benign for LZTR1-related condition. Last evaluated: 2019-05-30. Review status: no assertion criteria provided. Collection method: clinical testing. Allele origin: germline. Not counted in ClinVar's aggregate classification.
Comment: This variant is classified as benign based on ACMG/AMP sequence variant interpretation guidelines (Richards et al. 2015 PMID: 25741868, with internal and published modifications).

NM_006767.4(LZTR1):c.-6C>T

Genes: LZTR1 (leucine zipper like post translational regulator 1; plus strand), LOC130067016 (ATAC-STARR-seq lymphoblastoid silent region 13504; plus strand). Cytogenetic location: 22q11.21.
Variant type: single nucleotide variant.
Coding change: c.-6C>T on transcript NM_006767.4 (MANE Select); 6 bases upstream of the start codon, C replaced by T.
Molecular consequence: 5 prime UTR variant.
Genome position (GRCh38, 1-based): chr22:20,982,366, C>T. VCF-style: chr22-20982366-C-T. GRCh37 (hg19) VCF-style: chr22-21336655-C-T.
Identifiers: ClinVar variation 928479 (VCV000928479.10), dbSNP rs188063382, ClinGen allele CA10118260.
Genomic context (GRCh38, chr22:20,982,366, plus strand): 5'-CCAGCCGGCCCGGGGCGGTGGCCGCAAGTTGGGCTTACAGCGCGGCCGATCCGGCGTGGA[C>T]CCGGGATGGCTGGACCGGGCAGCACGGGGGGGCAGATCGGGGCTGCGGCCCTGGCAGGCG-3'